The following is an entry in ClinVar:

ClinVar aggregate classification (germline): Uncertain significance (1 of 4 stars; one submission).

Submission:

Labcorp Genetics (formerly Invitae), Labcorp
Classification: Uncertain significance. Last evaluated: 2023-05-30. Review status: criteria provided, single submitter. Criteria: Invitae Variant Classification Sherloc (09022015). Collection method: clinical testing. Allele origin: germline.
Comment: This variant has not been reported in the literature in individuals affected with MECOM-related conditions. An algorithm developed to predict the effect of missense changes on protein structure and function (PolyPhen-2) suggests that this variant is likely to be tolerated. This variant is not present in population databases (gnomAD no frequency). This sequence change replaces methionine, which is neutral and non-polar, with valine, which is neutral and non-polar, at codon 868 of the MECOM protein (p.Met868Val). In summary, the available evidence is currently insufficient to determine the role of this variant in disease. Therefore, it has been classified as a Variant of Uncertain Significance.

NM_004991.4(MECOM):c.3166A>G (p.Met1056Val)

Gene: MECOM (MDS1 and EVI1 complex locus; minus strand). Cytogenetic location: 3q26.2.
Variant type: single nucleotide variant.
Coding change: c.3166A>G on transcript NM_004991.4 (MANE Select); coding-DNA position 3166, A replaced by G.
Protein change: p.Met1056Val; replaces methionine 1056 with valine.
Molecular consequence: missense variant.
Genome position (GRCh38, 1-based): chr3:169,090,235, T>C on the plus strand (A>G on the coding strand, the complement: MECOM is on the minus strand). VCF-style: chr3-169090235-T-C. GRCh37 (hg19) VCF-style: chr3-168808023-T-C.
Other names: c.2797A>G, p.Met933Val (NM_001105077.4); c.2602A>G, p.Met868Val (NM_001105078.4, NM_001205194.2, NM_001366469.2 and 1 more transcripts); c.2578A>G, p.Met860Val (NM_001163999.2, NM_001366470.2); c.2575A>G, p.Met859Val (NM_001164000.2, NM_001366471.2, NM_001366472.2); c.3139A>G, p.Met1047Val (NM_001366466.2); c.2605A>G, p.Met869Val (NM_001366467.2, NM_001366468.2); c.2167A>G, p.Met723Val (NM_001366473.2); c.1603A>G, p.Met535Val (NM_001366474.2); short protein forms M1047V, M859V, M933V, M860V, M869V, M1056V, M535V, M723V.
Identifiers: ClinVar variation 2871607 (VCV002871607.3), dbSNP rs2549159083, ClinGen allele CA355070019.